The following is an entry in ClinVar:

NM_001354604.2(MITF):c.1050G>C (p.Lys350Asn)

Gene: MITF (melanocyte inducing transcription factor; plus strand). Cytogenetic location: 3p13.
Variant type: single nucleotide variant.
Coding change: c.1050G>C on transcript NM_001354604.2 (MANE Select); coding-DNA position 1050, G replaced by C.
Protein change: p.Lys350Asn; replaces lysine 350 with asparagine.
Molecular consequence: missense variant.
Genome position (GRCh38, 1-based): chr3:69,959,291, G>C. VCF-style: chr3-69959291-G-C. GRCh37 (hg19) VCF-style: chr3-70008442-G-C.
Other names: c.729G>C, p.Lys243Asn (NM_000248.4); c.876G>C, p.Lys292Asn (NM_001184967.2, NM_001354608.2); c.1047G>C, p.Lys349Asn (NM_001354605.2); c.1029G>C, p.Lys343Asn (NM_001354606.2, NM_006722.3); c.981G>C, p.Lys327Asn (NM_001354607.2); c.711G>C, p.Lys237Asn (NM_198158.3); c.1032G>C, p.Lys344Asn (NM_198159.3); c.984G>C, p.Lys328Asn (NM_198177.3); and 1 more; short protein forms K181N, K237N, K243N, K292N, K327N, K328N, K343N, K344N.
Identifiers: ClinVar variation 2636574 (VCV002636574.1), dbSNP rs201348324, ClinGen allele CA353561914.

ClinVar aggregate classification (germline): Uncertain significance (1 of 4 stars; one submission).

Conditions:
MITF-related disorder. Also called: MITF-related condition.

Submission:

PreventionGenetics, part of Exact Sciences
Classification: Uncertain significance for MITF-related condition. Last evaluated: 2022-09-13. Review status: criteria provided, single submitter. Criteria: ACMG Guidelines, 2015. Collection method: clinical testing. Allele origin: germline.
Comment: The MITF c.729G>C variant is predicted to result in the amino acid substitution p.Lys243Asn. To our knowledge, this variant has not been reported in the literature or in a large population database, indicating this variant is rare. At this time, the clinical significance of this variant is uncertain due to the absence of conclusive functional and genetic evidence.